The following is an entry in ClinVar:

ClinVar aggregate classification (germline): Uncertain significance (1 of 4 stars; one submission).

Allele frequency attached by ClinVar (database versions not stated): gnomAD exomes below 0.00001; ExAC 0.00001.
gnomAD v4.1: 2 of 1,610,486 alleles (0.00012%); highest among the groups gnomAD compares: Non-Finnish European, 0.00017%; no homozygotes.

Submission:

Labcorp Genetics (formerly Invitae), Labcorp
Classification: Uncertain significance. Last evaluated: 2026-01-19. Review status: criteria provided, single submitter. Criteria: Invitae Variant Classification Sherloc (09022015). Collection method: clinical testing. Allele origin: germline.
Comment: This sequence change replaces asparagine, which is neutral and polar, with serine, which is neutral and polar, at codon 405 of the KLC2 protein (p.Asn405Ser). The frequency data for this variant in the population databases is considered unreliable, as metrics indicate poor data quality at this position in the gnomAD database. This variant has not been reported in the literature in individuals affected with KLC2-related conditions. ClinVar contains an entry for this variant (Variation ID: 3003970). An algorithm developed to predict the effect of missense changes on protein structure and function outputs the following: PolyPhen-2: "Benign". The serine amino acid residue is found in multiple mammalian species, which suggests that this missense change does not adversely affect protein function. In summary, the available evidence is currently insufficient to determine the role of this variant in disease. Therefore, it has been classified as a Variant of Uncertain Significance.

NM_001318734.2(KLC2):c.1214A>G (p.Asn405Ser)

Genes: KLC2 (kinesin light chain 2; plus strand), KLC2-AS1 (KLC2 antisense RNA 1; minus strand). Cytogenetic location: 11q13.2.
Variant type: single nucleotide variant.
Coding change: c.1214A>G on transcript NM_001318734.2 (MANE Select); coding-DNA position 1214, A replaced by G.
Protein change: p.Asn405Ser; replaces asparagine 405 with serine.
Molecular consequence: missense variant.
Genome position (GRCh38, 1-based): chr11:66,264,442, A>G. VCF-style: chr11-66264442-A-G. GRCh37 (hg19) VCF-style: chr11-66031913-A-G.
Other names: c.983A>G, p.Asn328Ser (NM_001134774.2); c.1214A>G, p.Asn405Ser (NM_001134775.2, NM_001134776.2, NM_022822.3); short protein forms N405S, N328S.
Identifiers: ClinVar variation 3003970 (VCV003003970.3), dbSNP rs756037562, ClinGen allele CA6117326.